The following is an entry in ClinVar:

NM_003919.3(SGCE):c.17G>T (p.Trp6Leu)

Gene: SGCE (sarcoglycan epsilon; minus strand). Cytogenetic location: 7q21.3.
Variant type: single nucleotide variant.
Coding change: c.17G>T on transcript NM_003919.3 (MANE Select); coding-DNA position 17, G replaced by T.
Protein change: p.Trp6Leu; replaces tryptophan 6 with leucine.
Molecular consequence: missense variant. On other transcripts: 5 prime UTR variant (4).
Genome position (GRCh38, 1-based): chr7:94,656,082, C>A on the plus strand (G>T on the coding strand, the complement: SGCE is on the minus strand). VCF-style: chr7-94656082-C-A. GRCh37 (hg19) VCF-style: chr7-94285394-C-A.
Other names: c.17G>T, p.Trp6Leu (NM_001099400.2, NM_001099401.2, NM_001301139.2 and 4 more transcripts); c.-241G>T (NM_001346719.2); c.-319G>T (NM_001346720.2, NM_001362808.2); c.-247G>T (NM_001362807.2); short protein forms W6L.
Identifiers: ClinVar variation 3637445 (VCV003637445.2).

ClinVar aggregate classification (germline): Uncertain significance (1 of 4 stars; one submission).

Conditions:
Myoclonic dystonia 11 (DYT11). Also called: Myoclonic dystonia; Dystonia 11; Dystonia, alcohol responsive; Hereditary essential myoclonus; SGCE Myoclonus-Dystonia; Myoclonus-Dystonia. Identifiers: Orphanet 36899, MedGen C1834570, MONDO:0008044, OMIM 159900.

Submission:

Labcorp Genetics (formerly Invitae), Labcorp
Classification: Uncertain significance for Myoclonic dystonia 11. Last evaluated: 2024-04-25. Review status: criteria provided, single submitter. Criteria: Invitae Variant Classification Sherloc (09022015). Collection method: clinical testing. Allele origin: germline.
Comment: This sequence change replaces tryptophan, which is neutral and slightly polar, with leucine, which is neutral and non-polar, at codon 6 of the SGCE protein (p.Trp6Leu). This variant is not present in population databases (gnomAD no frequency). This variant has not been reported in the literature in individuals affected with SGCE-related conditions. An algorithm developed to predict the effect of missense changes on protein structure and function (PolyPhen-2) suggests that this variant is likely to be disruptive. In summary, the available evidence is currently insufficient to determine the role of this variant in disease. Therefore, it has been classified as a Variant of Uncertain Significance.